The following is an entry in ClinVar:

NM_001164277.2(SLC37A4):c.1249A>G (p.Ile417Val)

Gene: SLC37A4 (solute carrier family 37 member 4; minus strand). Cytogenetic location: 11q23.3.
Variant type: single nucleotide variant.
Coding change: c.1249A>G on transcript NM_001164277.2 (MANE Select); coding-DNA position 1249, A replaced by G.
Protein change: p.Ile417Val; replaces isoleucine 417 with valine.
Molecular consequence: missense variant.
Genome position (GRCh38, 1-based): chr11:119,024,951, T>C on the plus strand (A>G on the coding strand, the complement: SLC37A4 is on the minus strand). VCF-style: chr11-119024951-T-C. GRCh37 (hg19) VCF-style: chr11-118895661-T-C.
Other names: c.1315A>G, p.Ile439Val (NM_001164278.2); c.1030A>G, p.Ile344Val (NM_001164279.2); c.1249A>G, p.Ile417Val (NM_001164280.2, NM_001467.6); short protein forms I344V, I439V, I417V.
Identifiers: ClinVar variation 2904256 (VCV002904256.3), dbSNP rs2497009672, ClinGen allele CA382893668.

ClinVar aggregate classification (germline): Uncertain significance (1 of 4 stars; one submission).

Conditions:
Glucose-6-phosphate transport defect (GSD1B). Also called: Glycogen Storage Disease Type Ib; GSD Ib. Identifiers: Orphanet 364, Orphanet 79259, MedGen C0268146, MONDO:0009288, OMIM 232220.

Submission:

Labcorp Genetics (formerly Invitae), Labcorp
Classification: Uncertain significance for Glucose-6-phosphate transport defect. Last evaluated: 2023-06-24. Review status: criteria provided, single submitter. Criteria: Invitae Variant Classification Sherloc (09022015). Collection method: clinical testing. Allele origin: germline.
Comment: In summary, the available evidence is currently insufficient to determine the role of this variant in disease. Therefore, it has been classified as a Variant of Uncertain Significance. Advanced modeling of protein sequence and biophysical properties (such as structural, functional, and spatial information, amino acid conservation, physicochemical variation, residue mobility, and thermodynamic stability) performed at Invitae indicates that this missense variant is not expected to disrupt SLC37A4 protein function. This sequence change replaces isoleucine, which is neutral and non-polar, with valine, which is neutral and non-polar, at codon 417 of the SLC37A4 protein (p.Ile417Val). This variant is not present in population databases (gnomAD no frequency). This variant has not been reported in the literature in individuals affected with SLC37A4-related conditions.